The following is an entry in ClinVar:

NM_016148.5(SHANK1):c.2617G>C (p.Glu873Gln)

Gene: SHANK1 (SH3 and multiple ankyrin repeat domains 1; minus strand). Cytogenetic location: 19q13.33.
Variant type: single nucleotide variant.
Coding change: c.2617G>C on transcript NM_016148.5 (MANE Select); coding-DNA position 2617, G replaced by C.
Protein change: p.Glu873Gln; replaces glutamic acid 873 with glutamine.
Molecular consequence: missense variant.
Genome position (GRCh38, 1-based): chr19:50,672,075, C>G on the plus strand (G>C on the coding strand, the complement: SHANK1 is on the minus strand). VCF-style: chr19-50672075-C-G. GRCh37 (hg19) VCF-style: chr19-51175332-C-G.
Other names: short protein forms E873Q.
Identifiers: ClinVar variation 4975658 (VCV004975658.1).

ClinVar aggregate classification (germline): Uncertain significance (1 of 4 stars; one submission).

gnomAD v4.1: 2 of 1,613,808 alleles (0.00012%); highest among the groups gnomAD compares: African/African-American, 0.0013%; no homozygotes.

Submission:

GeneDx
Classification: Uncertain significance. Last evaluated: 2026-01-26. Review status: criteria provided, single submitter. Criteria: GeneDx Variant Classification Process June 2021. Collection method: clinical testing. Allele origin: germline.
Comment: Not observed at significant frequency in large population cohorts (gnomAD); In silico analysis suggests that this missense variant does not alter protein structure/function; Has not been previously published as pathogenic or benign to our knowledge